The following is an entry in ClinVar:

NM_001042646.3(TRAK1):c.1711C>G (p.Pro571Ala)

Gene: TRAK1 (trafficking kinesin protein 1; plus strand). Cytogenetic location: 3p22.1.
Variant type: single nucleotide variant.
Coding change: c.1711C>G on transcript NM_001042646.3 (MANE Select); coding-DNA position 1711, C replaced by G.
Protein change: p.Pro571Ala; replaces proline 571 with alanine.
Molecular consequence: missense variant. On other transcripts: non-coding transcript variant (1).
Genome position (GRCh38, 1-based): chr3:42,202,719, C>G. VCF-style: chr3-42202719-C-G. GRCh37 (hg19) VCF-style: chr3-42244211-C-G.
Other names: c.1711C>G, p.Pro571Ala (NM_001265608.2, NM_001349246.2, NM_001349247.2); c.1489C>G, p.Pro497Ala (NM_001265609.2, NM_001265610.1, NM_001349248.1 and 1 more transcripts); c.1399C>G, p.Pro467Ala (NM_001349245.1); c.1537C>G, p.Pro513Ala (NM_001410741.1, NM_014965.5); short protein forms P467A, P497A, P513A, P571A.
Identifiers: ClinVar variation 2442742 (VCV002442742.2), dbSNP rs2472932097, ClinGen allele CA352247445.
Genomic context (GRCh38, chr3:42,202,719, plus strand): 5'-TCCCGCTTCTCCGAGTTCACCGGCTTCTCTGGCATGTCCTTCAGCAGCCGCTCCTACCTG[C>G]CTGAGAAGCTCCAGATCGTGAAGCCGCTGGAAGGTGATCACGCGGGGCCTCGGCCCCTCT-3'
Protein context (NP_001036111.1, residues 561-581): GMSFSSRSYL[Pro571Ala]EKLQIVKPLE

ClinVar aggregate classification (germline): Uncertain significance (1 of 4 stars; one submission).

Allele frequency attached by ClinVar (database versions not stated): gnomAD exomes below 0.00001.
gnomAD v4.1: 1 of 1,613,970 alleles (0.000062%); highest among the groups gnomAD compares: Non-Finnish European, 0.000085%; no homozygotes.

Submission:

GeneDx
Classification: Uncertain significance. Last evaluated: 2024-08-20. Review status: criteria provided, single submitter. Criteria: GeneDx Variant Classification Process June 2021. Collection method: clinical testing. Allele origin: germline. Affected: yes.
Comment: Not observed at significant frequency in large population cohorts (gnomAD); In silico analysis supports that this missense variant has a deleterious effect on protein structure/function; Has not been previously published as pathogenic or benign to our knowledge